The following is an entry in ClinVar:

NM_001190737.2(NFIB):c.1147T>C (p.Ser383Pro)

Gene: NFIB (nuclear factor I B; minus strand). Cytogenetic location: 9p23.
Variant type: single nucleotide variant.
Coding change: c.1147T>C on transcript NM_001190737.2 (MANE Select); coding-DNA position 1147, T replaced by C.
Protein change: p.Ser383Pro; replaces serine 383 with proline.
Molecular consequence: missense variant. On other transcripts: non-coding transcript variant (4).
Genome position (GRCh38, 1-based): chr9:14,120,538, A>G on the plus strand (T>C on the coding strand, the complement: NFIB is on the minus strand). VCF-style: chr9-14120538-A-G. GRCh37 (hg19) VCF-style: chr9-14120537-A-G.
Other names: c.1225T>C, p.Ser409Pro (NM_001190738.2); c.391T>C, p.Ser131Pro (NM_001282787.2); c.1213T>C, p.Ser405Pro (NM_001369458.1, NM_001369459.1, NM_001369462.1 and 1 more transcripts); c.1135T>C, p.Ser379Pro (NM_001369460.1, NM_001369463.1, NM_001369466.1 and 1 more transcripts); c.1147T>C, p.Ser383Pro (NM_001369461.1, NM_001369464.1, NM_005596.3); c.1120T>C, p.Ser374Pro (NM_001369465.1, NM_001369467.1, NM_001369476.1); c.1003T>C, p.Ser335Pro (NM_001369469.1); c.910T>C, p.Ser304Pro (NM_001369470.1, NM_001369478.1); and 6 more; short protein forms S304P, S374P, S382P, S383P, S409P, S131P, S204P, S377P.
Identifiers: ClinVar variation 930874 (VCV000930874.3), dbSNP rs2038781074, ClinGen allele CA373091988.

ClinVar aggregate classification (germline): Uncertain significance (1 of 4 stars; one submission).

Conditions:
Macrocephaly, acquired, with impaired intellectual development. Also called: MACROCEPHALY, ACQUIRED, WITH MENTAL RETARDATION. Identifiers: MedGen C4748993, MONDO:0032658, OMIM 618286.

Submission:

Centre for Mendelian Genomics, University Medical Centre Ljubljana
Classification: Uncertain significance for Macrocephaly, acquired, with impaired intellectual development. Last evaluated: 2020-03-09. Review status: criteria provided, single submitter. Criteria: ACMG Guidelines, 2015. Collection method: clinical testing. Allele origin: unknown. Affected: yes.
Comment: This variant was classified as: Uncertain significance. The available evidence on this variant's pathogenicity is insufficient or conflicting. The following ACMG criteria were applied in classifying this variant: PM2,BP4.